The following is an entry in ClinVar:

ClinVar aggregate classification (germline): Uncertain significance (1 of 4 stars; one submission).

Conditions:
Amyloidosis, hereditary systemic 1 (AMYLD1). Also called: Familial amyloid polyneuropathy; Transthyretin Amyloidosis; AMYLOID CARDIOMYOPATHY; Hereditary oculoleptomeningeal amyloid angiopathy; Familial Transthyretin Amyloidosis; Isolated Cardiac Amyloidosis. Identifiers: Orphanet 85447, Orphanet 85451, MedGen C2751492, MONDO:0971004, OMIM 105210.

Submission:

Labcorp Genetics (formerly Invitae), Labcorp
Classification: Uncertain significance for Amyloidosis, hereditary systemic 1. Last evaluated: 2023-12-04. Review status: criteria provided, single submitter. Criteria: Invitae Variant Classification Sherloc (09022015). Collection method: clinical testing. Allele origin: germline.
Comment: This sequence change creates a premature translational stop signal (p.Val91Serfs*19) in the TTR gene. While this is not anticipated to result in nonsense mediated decay, it is expected to disrupt the last 57 amino acid(s) of the TTR protein. This variant is not present in population databases (gnomAD no frequency). This variant has not been reported in the literature in individuals affected with TTR-related conditions. Experimental studies and prediction algorithms are not available or were not evaluated, and the functional significance of this variant is currently unknown. In summary, the available evidence is currently insufficient to determine the role of this variant in disease. Therefore, it has been classified as a Variant of Uncertain Significance.

NM_000371.4(TTR):c.270dup (p.Val91fs)

Gene: TTR (transthyretin; plus strand). Cytogenetic location: 18q12.1.
Variant type: Duplication.
Coding change: c.270dup on transcript NM_000371.4 (MANE Select); coding-DNA position 270, one base duplicated (A; older notation c.270dupA).
Protein change: p.Val91fs; shifts the reading frame from valine 91.
Molecular consequence: frameshift variant.
Genome position (GRCh38, 1-based): chr18:31,595,189, A duplicated; the last of 3 consecutive A bases (chr18:31,595,187-31,595,189); duplicating any one gives the same sequence. VCF-style (leftmost placement, unchanged base first): chr18-31595186-C-CA. GRCh37 (hg19) VCF-style: chr18-29175149-C-CA.
Other names: short protein forms V91fs.
Identifiers: ClinVar variation 2700781 (VCV002700781.3), dbSNP rs2510933042, ClinGen allele CA2697555400.
Genomic context (GRCh38, chr18:31,595,186, plus strand): 5'-CAGTGAGTCTGGAGAGCTGCATGGGCTCACAACTGAGGAGGAATTTGTAGAAGGGATATA[C>CA]AAAGTGGAAATAGACACCAAATCTTACTGGAAGGCACTTGGCATCTCCCCATTCCATGAG-3'